The following is an entry in ClinVar:

ClinVar aggregate classification (germline): Uncertain significance. Review status: criteria provided, multiple submitters, no conflicts (2 of 4 stars). 2 submissions from 2 submitters: Uncertain significance (2). Last evaluated 2025-10-01.

Conditions:
Familial hemiplegic migraine. Identifiers: MedGen C0338484, MONDO:0000700.

Allele frequency attached by ClinVar (database versions not stated): gnomAD exomes 0.00001 and 0.00004; TOPMed 0.00002; gnomAD 0.00001; ExAC 0.00004; 1000 Genomes Project 30x 0.00016.
gnomAD v4.1: 14 of 1,614,190 alleles (0.00087%); highest among the groups gnomAD compares: Admixed American, 0.018%; no homozygotes.

Submissions (2):

Labcorp Genetics (formerly Invitae), Labcorp
Classification: Uncertain significance for Familial hemiplegic migraine. Last evaluated: 2025-10-01. Review status: criteria provided, single submitter. Criteria: Invitae Variant Classification Sherloc (09022015). Collection method: clinical testing. Allele origin: germline.
Comment: This sequence change replaces glutamine, which is neutral and polar, with leucine, which is neutral and non-polar, at codon 554 of the ATP1A2 protein (p.Gln554Leu). This variant is present in population databases (rs199749129, gnomAD 0.01%). This variant has not been reported in the literature in individuals affected with ATP1A2-related conditions. ClinVar contains an entry for this variant (Variation ID: 390448). Invitae Evidence Modeling of protein sequence and biophysical properties (such as structural, functional, and spatial information, amino acid conservation, physicochemical variation, residue mobility, and thermodynamic stability) indicates that this missense variant is not expected to disrupt ATP1A2 protein function with a negative predictive value of 80%. In summary, the available evidence is currently insufficient to determine the role of this variant in disease. Therefore, it has been classified as a Variant of Uncertain Significance.

GeneDx
Classification: Uncertain significance. Last evaluated: 2016-10-26. Review status: criteria provided, single submitter. Criteria: GeneDx Variant Classification (06012015). Collection method: clinical testing. Allele origin: germline. Affected: yes.
Comment: A variant of uncertain significance has been identified in the ATP1A2 gene. The Q554L variant has not been published as a pathogenic variant, nor has it been reported as a benign variant to our knowledge. It was not observed in approximately 6,500 individuals of European and African American ancestry in the NHLBI Exome Sequencing Project, indicating it is not a common benign variant in these populations. The Q554L variant is a non-conservative amino acid substitution, which is likely to impact secondary protein structure as these residues differ in polarity, charge, size and/or other properties. Additionally, in silico analysis predicts this variant is probably damaging to the protein structure/function. However, this substitution occurs at a position that is not conserved. Therefore, based on the currently available information, it is unclear whether this variant is a pathogenic variant or a rare benign variant.

NM_000702.4(ATP1A2):c.1661A>T (p.Gln554Leu)

Gene: ATP1A2 (ATPase Na+/K+ transporting subunit alpha 2; plus strand). Cytogenetic location: 1q23.2.
Variant type: single nucleotide variant.
Coding change: c.1661A>T on transcript NM_000702.4 (MANE Select); coding-DNA position 1661, A replaced by T.
Protein change: p.Gln554Leu; replaces glutamine 554 with leucine.
Molecular consequence: missense variant.
Genome position (GRCh38, 1-based): chr1:160,130,431, A>T. VCF-style: chr1-160130431-A-T. GRCh37 (hg19) VCF-style: chr1-160100221-A-T.
Other names: short protein forms Q554L.
Identifiers: ClinVar variation 390448 (VCV000390448.10), dbSNP rs199749129, ClinGen allele CA1194558.